The following is an entry in ClinVar:

NM_014014.5(SNRNP200):c.5404A>G (p.Ile1802Val)

Gene: SNRNP200 (small nuclear ribonucleoprotein U5 subunit 200; minus strand). Cytogenetic location: 2q11.2.
Variant type: single nucleotide variant.
Coding change: c.5404A>G on transcript NM_014014.5 (MANE Select); coding-DNA position 5404, A replaced by G.
Protein change: p.Ile1802Val; replaces isoleucine 1802 with valine.
Molecular consequence: missense variant.
Genome position (GRCh38, 1-based): chr2:96,278,631, T>C on the plus strand (A>G on the coding strand, the complement: SNRNP200 is on the minus strand). VCF-style: chr2-96278631-T-C. GRCh37 (hg19) VCF-style: chr2-96944369-T-C.
Other names: short protein forms I1802V.
Identifiers: ClinVar variation 1326382 (VCV001326382.8), dbSNP rs757783750, ClinGen allele CA1777982.

ClinVar aggregate classification (germline): Conflicting classifications of pathogenicity. Review status: criteria provided, conflicting classifications (1 of 4 stars). 3 submissions from 3 submitters: Uncertain significance (2); Likely benign (1). Last evaluated 2025-06-22.

Conditions:
Inborn genetic diseases. Identifiers: MedGen C0950123, MeSH D030342.

Allele frequency attached by ClinVar (database versions not stated): ExAC 0.00002; TOPMed 0.00001; gnomAD exomes 0.00002.

Submissions (3):

Labcorp Genetics (formerly Invitae), Labcorp
Classification: Likely benign. Last evaluated: 2025-06-22. Review status: criteria provided, single submitter. Criteria: Invitae Variant Classification Sherloc (09022015). Collection method: clinical testing. Allele origin: germline.

Ambry Genetics
Classification: Uncertain significance for Inborn genetic diseases. Last evaluated: 2024-03-01. Review status: criteria provided, single submitter. Criteria: Ambry Variant Classification Scheme 2023. Collection method: clinical testing. Allele origin: germline.

GeneDx
Classification: Uncertain significance. Last evaluated: 2021-05-26. Review status: criteria provided, single submitter. Criteria: GeneDx Variant Classification Process June 2021. Collection method: clinical testing. Allele origin: germline. Affected: yes.
Comment: Has not been previously published as pathogenic or benign to our knowledge; In silico analysis supports that this missense variant has a deleterious effect on splicing; In silico analysis supports that this missense variant does not alter protein structure/function